The following is an entry in ClinVar:

NM_001322934.2(NFKB2):c.2590G>A (p.Glu864Lys)

Gene: NFKB2 (nuclear factor kappa B subunit 2; plus strand). Cytogenetic location: 10q24.32.
Variant type: single nucleotide variant.
Coding change: c.2590G>A on transcript NM_001322934.2 (MANE Select); coding-DNA position 2590, G replaced by A.
Protein change: p.Glu864Lys; replaces glutamic acid 864 with lysine.
Molecular consequence: missense variant.
Genome position (GRCh38, 1-based): chr10:102,402,263, G>A. VCF-style: chr10-102402263-G-A. GRCh37 (hg19) VCF-style: chr10-104162020-G-A.
Other names: c.2587G>A, p.Glu863Lys (NM_002502.6, NM_001261403.3, NM_001288724.1); c.2590G>A, p.Glu864Lys (NM_001077494.3); c.2464G>A, p.Glu822Lys (NM_001322935.1); short protein forms E822K, E864K, E863K.
Identifiers: ClinVar variation 3649403 (VCV003649403.2).

ClinVar aggregate classification (germline): Uncertain significance (1 of 4 stars; one submission).

Conditions:
Immunodeficiency, common variable, 10. Also called: DEFICIT IN ANTERIOR PITUITARY FUNCTION AND VARIABLE IMMUNODEFICIENCY; IMMUNODEFICIENCY, COMMON VARIABLE, WITH CENTRAL ADRENAL INSUFFICIENCY. Identifiers: MedGen C3809991, MONDO:0014260, OMIM 615577.

Submission:

Labcorp Genetics (formerly Invitae), Labcorp
Classification: Uncertain significance for Immunodeficiency, common variable, 10. Last evaluated: 2024-04-10. Review status: criteria provided, single submitter. Criteria: Invitae Variant Classification Sherloc (09022015). Collection method: clinical testing. Allele origin: germline.
Comment: This sequence change replaces glutamic acid, which is acidic and polar, with lysine, which is basic and polar, at codon 864 of the NFKB2 protein (p.Glu864Lys). This variant is not present in population databases (gnomAD no frequency). This variant has not been reported in the literature in individuals affected with NFKB2-related conditions. An algorithm developed to predict the effect of missense changes on protein structure and function (PolyPhen-2) suggests that this variant is likely to be disruptive. In summary, the available evidence is currently insufficient to determine the role of this variant in disease. Therefore, it has been classified as a Variant of Uncertain Significance.